The following is an entry in ClinVar:

ClinVar aggregate classification (germline): Conflicting classifications of pathogenicity. Review status: criteria provided, conflicting classifications (1 of 4 stars). 2 submissions from 2 submitters: Uncertain significance (1); Likely benign (1). Last evaluated 2024-08-21.

Allele frequency attached by ClinVar (database versions not stated): ExAC 0.00001; gnomAD exomes 0.00001; gnomAD 0.00002; TOPMed 0.00003.
gnomAD v4.1: 15 of 1,613,966 alleles (0.00093%); highest among the groups gnomAD compares: Non-Finnish European, 0.0012%; no homozygotes.

Submissions (2):

Ambry Genetics
Classification: Uncertain significance. Last evaluated: 2024-08-21. Review status: criteria provided, single submitter. Criteria: Ambry Variant Classification Scheme 2023. Collection method: clinical testing. Allele origin: germline.

CeGaT Center for Human Genetics Tuebingen
Classification: Likely benign. Last evaluated: 2022-12-01. Review status: criteria provided, single submitter. Criteria: CeGaT Center For Human Genetics Tuebingen Variant Classification Criteria Version 2. Collection method: clinical testing. Allele origin: germline. Affected: yes. Observed: 1 variant allele.
Comment: FAT2: BP4

NM_001447.3(FAT2):c.11582A>G (p.Asp3861Gly)

Genes: FAT2 (FAT atypical cadherin 2; minus strand), SLC36A1 (solute carrier family 36 member 1; plus strand). Cytogenetic location: 5q33.1.
Variant type: single nucleotide variant.
Coding change: c.11582A>G on transcript NM_001447.3 (MANE Select); coding-DNA position 11582, A replaced by G.
Protein change: p.Asp3861Gly; replaces aspartic acid 3861 with glycine.
Molecular consequence: missense variant.
Genome position (GRCh38, 1-based): chr5:151,512,488, T>C on the plus strand (A>G on the coding strand, the complement: FAT2 is on the minus strand). VCF-style: chr5-151512488-T-C. GRCh37 (hg19) VCF-style: chr5-150892049-T-C.
Other names: c.11582A>G (NM_001447.2); short protein forms D3861G.
Identifiers: ClinVar variation 2655951 (VCV002655951.25), dbSNP rs781458716, ClinGen allele CA3519974.